The following is an entry in ClinVar:

ClinVar aggregate classification (germline): Pathogenic (1 of 4 stars; one submission).

Conditions:
Finnish congenital nephrotic syndrome (NPHS1). Also called: NEPHROTIC SYNDROME, TYPE 1. Identifiers: Orphanet 839, MedGen C0403399, MONDO:0009732, OMIM 256300.

Submission:

Victorian Clinical Genetics Services, Murdoch Childrens Research Institute
Classification: Pathogenic for Finnish congenital nephrotic syndrome. Last evaluated: 2023-07-17. Review status: criteria provided, single submitter. Criteria: ACMG Guidelines, 2015. Collection method: clinical testing. Allele origin: germline. Inheritance: Autosomal recessive inheritance.
Comment: Based on the classification scheme VCGS_Germline_v1.3.4, this variant is classified as Pathogenic. Following criteria are met: 0102 - Loss of function is a known mechanism of disease in this gene and is associated with nephrotic syndrome type 1 (MIM#256300). (I) 0106 - This gene is associated with autosomal recessive disease. (I) 0200 - Variant is predicted to result in a missense amino acid change from serine to arginine. (I) 0251 - This variant is heterozygous. (I) 0301 - Variant is absent from gnomAD (both v2 and v3). (SP) 0501 - Missense variant consistently predicted to be damaging by multiple in silico tools or highly conserved with a major amino acid change. (SP) 0600 - Variant is located in the annotated CD80-like C2-set immunoglobulin domain (DECIPHER). (I) 0705 - No comparable missense variants have previous evidence for pathogenicity. (I) 0802 - This variant has moderate previous evidence of pathogenicity in unrelated individuals. This variant has been reported in one homozygous individual with congenital nephrotic syndrome (PMID: 24392227). An alternative nucleotide change resulting in the same amino acid substitution (c.1707C>G, p.Ser569Arg) has previously been reported in one homozygous individual and one compound heterozygous fetus with congenital nephrotic syndrome (PMID: 17413422, PMID: 18503012). (SP) 0905 - No published segregation evidence has been identified for this variant. (I) 1002 - This variant has moderate functional evidence supporting abnormal protein function. Functional studies of patient cells showed absence of nephrin expression (PMID: 24392227). (SP) 1102 - Strong phenotype match for this individual. (SP) 1208 - Inheritance information for this variant is not currently available in this individual. (I) Legend: (SP) - Supporting pathogenic, (I) - Information, (SB) - Supporting benign

Literature cited by the submitters: PubMed 17413422; PubMed 18503012; PubMed 24392227.

NM_004646.4(NPHS1):c.1707C>A (p.Ser569Arg)

Gene: NPHS1 (NPHS1 adhesion molecule, nephrin; minus strand). Cytogenetic location: 19q13.12.
Variant type: single nucleotide variant.
Coding change: c.1707C>A on transcript NM_004646.4 (MANE Select); coding-DNA position 1707, C replaced by A.
Protein change: p.Ser569Arg; replaces serine 569 with arginine.
Molecular consequence: missense variant.
Genome position (GRCh38, 1-based): chr19:35,845,719, G>T on the plus strand (C>A on the coding strand, the complement: NPHS1 is on the minus strand). VCF-style: chr19-35845719-G-T. GRCh37 (hg19) VCF-style: chr19-36336621-G-T.
Other names: short protein forms S569R.
Identifiers: ClinVar variation 3254584 (VCV003254584.1), dbSNP rs386833888.